The following is an entry in ClinVar:

ClinVar aggregate classification (germline): Uncertain significance. Review status: criteria provided, multiple submitters, no conflicts (2 of 4 stars). 2 submissions from 2 submitters: Uncertain significance (2). Last evaluated 2024-10-03.

Conditions:
Inborn genetic diseases. Identifiers: MedGen C0950123, MeSH D030342.

Allele frequency attached by ClinVar (database versions not stated): TOPMed below 0.00001; gnomAD 0.00001; ExAC 0.00002; gnomAD exomes 0.00002.
gnomAD v4.1: 26 of 1,613,568 alleles (0.0016%); highest among the groups gnomAD compares: Middle Eastern, 0.033%; 1 homozygote.

Submissions (2):

GeneDx
Classification: Uncertain significance. Last evaluated: 2024-10-03. Review status: criteria provided, single submitter. Criteria: GeneDx Variant Classification Process June 2021. Collection method: clinical testing. Allele origin: germline. Affected: yes.
Comment: Not observed at significant frequency in large population cohorts (gnomAD); In silico analysis indicates that this missense variant does not alter protein structure/function; Has not been previously published as pathogenic or benign to our knowledge

Ambry Genetics
Classification: Uncertain significance for Inborn genetic diseases. Last evaluated: 2023-11-16. Review status: criteria provided, single submitter. Criteria: Ambry Variant Classification Scheme 2023. Collection method: clinical testing. Allele origin: germline.
Comment: The p.Q447H variant (also known as c.1341G>C), located in coding exon 5 of the ATR gene, results from a G to C substitution at nucleotide position 1341. The glutamine at codon 447 is replaced by histidine, an amino acid with highly similar properties. This amino acid position is conserved. In addition, this alteration is predicted to be tolerated by in silico analysis. Since supporting evidence is limited at this time, the clinical significance of this alteration remains unclear.

NM_001184.4(ATR):c.1341G>C (p.Gln447His)

Gene: ATR (ATR checkpoint kinase; minus strand). Cytogenetic location: 3q23.
Variant type: single nucleotide variant.
Coding change: c.1341G>C on transcript NM_001184.4 (MANE Select); coding-DNA position 1341, G replaced by C.
Protein change: p.Gln447His; replaces glutamine 447 with histidine.
Molecular consequence: missense variant.
Genome position (GRCh38, 1-based): chr3:142,561,251, C>G on the plus strand (G>C on the coding strand, the complement: ATR is on the minus strand). VCF-style: chr3-142561251-C-G. GRCh37 (hg19) VCF-style: chr3-142280093-C-G.
Other names: c.1341G>C, p.Gln447His (NM_001354579.2); short protein forms Q447H.
Identifiers: ClinVar variation 1770379 (VCV001770379.3), dbSNP rs747132973, ClinGen allele CA2650627.